The following is an entry in ClinVar:

NM_024079.5(ALG8):c.898+8A>G

Gene: ALG8 (ALG8 alpha-1,3-glucosyltransferase; minus strand). Cytogenetic location: 11q14.1.
Variant type: single nucleotide variant.
Coding change: c.898+8A>G on transcript NM_024079.5 (MANE Select); 8 bases into the intron after coding-DNA position 898, A replaced by G.
Molecular consequence: intron variant.
Genome position (GRCh38, 1-based): chr11:78,112,642, T>C on the plus strand (A>G on the coding strand, the complement: ALG8 is on the minus strand). VCF-style: chr11-78112642-T-C. GRCh37 (hg19) VCF-style: chr11-77823688-T-C.
Other names: c.898+8A>G (NM_001007027.3).
Identifiers: ClinVar variation 740025 (VCV000740025.11), dbSNP rs190448293, ClinGen allele CA6203300.

ClinVar aggregate classification (germline): Likely benign. Review status: criteria provided, single submitter (1 of 4 stars). 2 submissions from 2 submitters: Likely benign (1). 1 of the submissions does not count toward it. Last evaluated 2025-07-30.

Conditions:
ALG8-related disorder.
ALG8 congenital disorder of glycosylation. Also called: CDG Ih; CONGENITAL DISORDER OF GLYCOSYLATION, TYPE Ih; ALG8-CDG. Identifiers: Orphanet 79325, MedGen C2931002, MONDO:0011969, OMIM 608104.

Allele frequency attached by ClinVar (database versions not stated): ExAC 0.00003; gnomAD exomes 0.00003 and 0.00006; gnomAD 0.00012 and 0.00013; TOPMed 0.00027; 1000 Genomes Project 0.00060; 1000 Genomes Project 30x 0.00062.

Submissions (2):

Labcorp Genetics (formerly Invitae), Labcorp
Classification: Likely benign for ALG8 congenital disorder of glycosylation. Last evaluated: 2025-07-30. Review status: criteria provided, single submitter. Criteria: Invitae Variant Classification Sherloc (09022015). Collection method: clinical testing. Allele origin: germline.

PreventionGenetics, part of Exact Sciences
Classification: Likely benign for ALG8-related condition. Last evaluated: 2020-03-23. Review status: no assertion criteria provided. Collection method: clinical testing. Allele origin: germline. Not counted in ClinVar's aggregate classification.
Comment: This variant is classified as likely benign based on ACMG/AMP sequence variant interpretation guidelines (Richards et al. 2015 PMID: 25741868, with internal and published modifications).